The following is an entry in ClinVar:

NM_001084.5(PLOD3):c.1127+11G>A

Gene: PLOD3 (procollagen-lysine,2-oxoglutarate 5-dioxygenase 3; minus strand). Cytogenetic location: 7q22.1.
Variant type: single nucleotide variant.
Coding change: c.1127+11G>A on transcript NM_001084.5 (MANE Select); 11 bases into the intron after coding-DNA position 1127, G replaced by A.
Molecular consequence: intron variant.
Genome position (GRCh38, 1-based): chr7:101,212,242, C>T on the plus strand (G>A on the coding strand, the complement: PLOD3 is on the minus strand). VCF-style: chr7-101212242-C-T. GRCh37 (hg19) VCF-style: chr7-100855523-C-T.
Identifiers: ClinVar variation 1963481 (VCV001963481.4), dbSNP rs1180884067, ClinGen allele CA576718736.

ClinVar aggregate classification (germline): Uncertain significance (1 of 4 stars; one submission).

Allele frequency attached by ClinVar (database versions not stated): gnomAD exomes below 0.00001; TOPMed 0.00001.

Submission:

Labcorp Genetics (formerly Invitae), Labcorp
Classification: Uncertain significance. Last evaluated: 2022-07-09. Review status: criteria provided, single submitter. Criteria: Invitae Variant Classification Sherloc (09022015). Collection method: clinical testing. Allele origin: germline.
Comment: This sequence change falls in intron 10 of the PLOD3 gene. It does not directly change the encoded amino acid sequence of the PLOD3 protein. This variant is present in population databases (no rsID available, gnomAD 0.0009%). This variant has not been reported in the literature in individuals affected with PLOD3-related conditions. Algorithms developed to predict the effect of sequence changes on RNA splicing suggest that this variant may create or strengthen a splice site. In summary, the available evidence is currently insufficient to determine the role of this variant in disease. Therefore, it has been classified as a Variant of Uncertain Significance.